The following is an entry in ClinVar:

ClinVar aggregate classification (germline): Pathogenic/Likely pathogenic. Review status: criteria provided, multiple submitters, no conflicts (2 of 4 stars). 2 submissions from 2 submitters: Pathogenic (1); Likely pathogenic (1). Last evaluated 2024-02-22.

Conditions:
Carnitine palmitoyltransferase II deficiency. Also called: Carnitine Palmitoyltransferase 2 Deficiency. Identifiers: Orphanet 157, MedGen C0342790, MONDO:0015515.
Encephalopathy, acute, infection-induced, susceptibility to, 4. Identifiers: Orphanet 263524, MedGen C3280160, MONDO:0013633, OMIM 614212.

Submissions (2):

Baylor Genetics
Classification: Likely pathogenic for Encephalopathy, acute, infection-induced, susceptibility to, 4. Last evaluated: 2024-02-22. Review status: criteria provided, single submitter. Criteria: ACMG Guidelines, 2015. Collection method: clinical testing. Allele origin: unknown.

Labcorp Genetics (formerly Invitae), Labcorp
Classification: Pathogenic for Carnitine palmitoyltransferase II deficiency. Last evaluated: 2023-10-03. Review status: criteria provided, single submitter. Criteria: Invitae Variant Classification Sherloc (09022015). Collection method: clinical testing. Allele origin: germline.
Comment: This sequence change creates a premature translational stop signal (p.Phe117Tyrfs*14) in the CPT2 gene. It is expected to result in an absent or disrupted protein product. Loss-of-function variants in CPT2 are known to be pathogenic (PMID: 16781677, 16996287). This variant is present in population databases (rs778895906, gnomAD 0.006%). This variant has not been reported in the literature in individuals affected with CPT2-related conditions. ClinVar contains an entry for this variant (Variation ID: 1074855). For these reasons, this variant has been classified as Pathogenic.

Literature cited by the submitters: PubMed 16781677 (cited by Labcorp Genetics (formerly Invitae), Labcorp); PubMed 16996287 (cited by Labcorp Genetics (formerly Invitae), Labcorp).

NM_000098.3(CPT2):c.350_354del (p.Phe117fs)

Gene: CPT2 (carnitine palmitoyltransferase 2; plus strand). Cytogenetic location: 1p32.3.
Variant type: Deletion.
Coding change: c.350_354del on transcript NM_000098.3 (MANE Select); coding-DNA positions 350 to 354, 5 bases deleted (TTGAT; older notation c.350_354delTTGAT).
Protein change: p.Phe117fs; shifts the reading frame from phenylalanine 117.
Molecular consequence: frameshift variant.
Genome position (GRCh38, 1-based): chr1:53,210,024-53,210,028, TTGAT deleted; deleting any 5 consecutive bases within chr1:53,210,023-53,210,028 gives the same sequence; the c. name uses the placement nearest the transcript's 3' end. VCF-style (leftmost placement, unchanged base first): chr1-53210022-GTTTGA-G. GRCh37 (hg19) VCF-style: chr1-53675694-GTTTGA-G.
Other names: c.350_354del, p.Phe117fs (NM_001330589.2); short protein forms F117fs.
Identifiers: ClinVar variation 1074855 (VCV001074855.9), dbSNP rs778895906, ClinGen allele CA858968.